The following is an entry in ClinVar:

NM_006514.4(SCN10A):c.1220C>T (p.Thr407Ile)

Gene: SCN10A (sodium voltage-gated channel alpha subunit 10; minus strand). Cytogenetic location: 3p22.2.
Variant type: single nucleotide variant.
Coding change: c.1220C>T on transcript NM_006514.4 (MANE Select); coding-DNA position 1220, C replaced by T.
Protein change: p.Thr407Ile; replaces threonine 407 with isoleucine.
Molecular consequence: missense variant.
Genome position (GRCh38, 1-based): chr3:38,756,744, G>A on the plus strand (C>T on the coding strand, the complement: SCN10A is on the minus strand). VCF-style: chr3-38756744-G-A. GRCh37 (hg19) VCF-style: chr3-38798235-G-A.
Other names: c.1220C>T, p.Thr407Ile (NM_001293306.2, NM_001293307.2); short protein forms T407I.
Identifiers: ClinVar variation 3793150 (VCV003793150.1).
Genomic context (GRCh38, chr3:38,756,744, plus strand): 5'-TTCCGGAGCATCTCGAGGGCCTCCTGGAACTTCTTCTCCTTTGCTTCAATTTCATCAGTG[G>A]TTGCCTGGTTCTGCTCCTCATACGCCATGGTGACTACAGCCAAGATCAAGTTGACCAGGT-3'
Protein context (NP_006505.4, residues 397-417): TMAYEEQNQA[Thr407Ile]TDEIEAKEKK

ClinVar aggregate classification (germline): Uncertain significance (1 of 4 stars; one submission).

Conditions:
Cardiovascular phenotype. Identifiers: MedGen CN230736.

Submission:

Ambry Genetics
Classification: Uncertain significance for Cardiovascular phenotype. Last evaluated: 2025-02-13. Review status: criteria provided, single submitter. Criteria: Ambry Variant Classification Scheme 2023. Collection method: clinical testing. Allele origin: germline.
Comment: The p.T407I variant (also known as c.1220C>T), located in coding exon 9 of the SCN10A gene, results from a C to T substitution at nucleotide position 1220. The threonine at codon 407 is replaced by isoleucine, an amino acid with similar properties. This amino acid position is conserved. In addition, the in silico prediction for this alteration is inconclusive. Based on the available evidence, the clinical significance of this variant remains unclear.